The following is an entry in ClinVar:

ClinVar aggregate classification (germline): Uncertain significance (1 of 4 stars; one submission).

gnomAD v4.1: 1 of 1,614,216 alleles (0.000062%); highest among the groups gnomAD compares: Non-Finnish European, 0.000085%; no homozygotes.

Submission:

GeneDx
Classification: Uncertain significance. Last evaluated: 2017-11-24. Review status: criteria provided, single submitter. Criteria: GeneDx Variant Classification (06012015). Collection method: clinical testing. Allele origin: germline. Affected: yes.
Comment: p.Asp274Val (GAT>GTT): c.821 A>T in exon 2 of the KCNJ2 gene (NM_000891.2). The Asp274Val variant in the KCNJ2 gene has not been reported as a disease-causing mutation or as a benign polymorphism to our knowledge. Asp274Val results in a non-conservative amino acid substitution of a negatively charged Aspartic acid residue with a non-polar Valine residue at a position that is conserved in mammals. In silico analysis predicts Asp274Val is possibly damaging to the protein structure/function. The Asp274Val variant was not observed in approximately 6,500 individuals of European and African American ancestry in the NHLBI Exome Sequencing Project, indicating it is not a common benign variant in these populations.With the clinical and molecular information available at this time, we cannot definitively determine if Asp274Val is a disease-causing mutation or a rare benign variant. The variant is found in LQT panel(s).

NM_000891.3(KCNJ2):c.821A>T (p.Asp274Val)

Gene: KCNJ2 (potassium inwardly rectifying channel subfamily J member 2; plus strand). Cytogenetic location: 17q24.3.
Variant type: single nucleotide variant.
Coding change: c.821A>T on transcript NM_000891.3 (MANE Select); coding-DNA position 821, A replaced by T.
Protein change: p.Asp274Val; replaces aspartic acid 274 with valine.
Molecular consequence: missense variant.
Genome position (GRCh38, 1-based): chr17:70,175,860, A>T. VCF-style: chr17-70175860-A-T. GRCh37 (hg19) VCF-style: chr17-68172001-A-T.
Other names: p.D274V:GAT>GTT; short protein forms D274V.
Identifiers: ClinVar variation 190814 (VCV000190814.2), dbSNP rs786205816, ClinGen allele CA302049.
Genomic context (GRCh38, chr17:70,175,860, plus strand): 5'-TTGACAGTGGAATCGATCGTATATTTCTGGTGTCCCCAATCACTATAGTCCATGAAATAG[A>T]TGAAGACAGTCCTTTATATGATTTGAGTAAACAGGACATTGACAACGCAGACTTTGAAAT-3'
Protein context (NP_000882.1, residues 264-284): VSPITIVHEI[Asp274Val]EDSPLYDLSK